The following is an entry in ClinVar:

ClinVar aggregate classification (germline): Uncertain significance. Review status: criteria provided, multiple submitters, no conflicts (2 of 4 stars). 2 submissions from 2 submitters: Uncertain significance (2). Last evaluated 2025-02-02.

Conditions:
Catecholaminergic polymorphic ventricular tachycardia 1. Also called: RYR2-Related Catecholaminergic Polymorphic Ventricular Tachycardia; VENTRICULAR TACHYCARDIA, CATECHOLAMINERGIC POLYMORPHIC, 1, WITH OR WITHOUT ATRIAL DYSFUNCTION AND/OR DILATED CARDIOMYOPATHY; VENTRICULAR TACHYCARDIA, STRESS-INDUCED POLYMORPHIC 1. Identifiers: Orphanet 3286, MedGen C1631597, MONDO:0011484, OMIM 604772.

Allele frequency attached by ClinVar (database versions not stated): gnomAD exomes below 0.00001.
gnomAD v4.1: 1 of 1,536,084 alleles (0.000065%); highest among the groups gnomAD compares: Non-Finnish European, 0.000088%; no homozygotes.

Submissions (2):

GeneDx
Classification: Uncertain significance. Last evaluated: 2025-02-02. Review status: criteria provided, single submitter. Criteria: GeneDx Variant Classification Process June 2021. Collection method: clinical testing. Allele origin: germline. Affected: yes.
Comment: Not observed at significant frequency in large population cohorts (gnomAD); In silico analysis supports that this missense variant has a deleterious effect on protein structure/function; Not located in one of the three hot-spot regions of the RYR2 gene, where the majority of pathogenic missense variants occur (PMID: 19926015); Has not been previously published as pathogenic or benign to our knowledge; This variant is associated with the following publications: (PMID: 19926015)

Labcorp Genetics (formerly Invitae), Labcorp
Classification: Uncertain significance for Catecholaminergic polymorphic ventricular tachycardia 1. Last evaluated: 2020-10-13. Review status: criteria provided, single submitter. Criteria: Invitae Variant Classification Sherloc (09022015). Collection method: clinical testing. Allele origin: germline.
Comment: This variant is not present in population databases (ExAC no frequency). In summary, the available evidence is currently insufficient to determine the role of this variant in disease. Therefore, it has been classified as a Variant of Uncertain Significance. Algorithms developed to predict the effect of sequence changes on RNA splicing suggest that this variant may disrupt the consensus splice site, but this prediction has not been confirmed by published transcriptional studies. Algorithms developed to predict the effect of missense changes on protein structure and function (SIFT, PolyPhen-2, Align-GVGD) all suggest that this variant is likely to be disruptive, but these predictions have not been confirmed by published functional studies and their clinical significance is uncertain. This variant has not been reported in the literature in individuals with RYR2-related conditions. This sequence change replaces glycine with valine at codon 3023 of the RYR2 protein (p.Gly3023Val). The glycine residue is highly conserved and there is a moderate physicochemical difference between glycine and valine.

NM_001035.3(RYR2):c.9068G>T (p.Gly3023Val)

Gene: RYR2 (ryanodine receptor 2; plus strand). Cytogenetic location: 1q43.
Variant type: single nucleotide variant.
Coding change: c.9068G>T on transcript NM_001035.3 (MANE Select); coding-DNA position 9068, G replaced by T.
Protein change: p.Gly3023Val; replaces glycine 3023 with valine.
Molecular consequence: missense variant.
Genome position (GRCh38, 1-based): chr1:237,698,965, G>T. VCF-style: chr1-237698965-G-T. GRCh37 (hg19) VCF-style: chr1-237862265-G-T.
Other names: c.9068G>T (NM_001035.2); short protein forms G3023V.
Identifiers: ClinVar variation 1025182 (VCV001025182.11), dbSNP rs1687729156, ClinGen allele CA345406476.